The following is an entry in ClinVar:

NM_003098.3(SNTA1):c.20C>T (p.Ala7Val)

Genes: SNTA1 (syntrophin alpha 1; minus strand), LOC130065680 (ATAC-STARR-seq lymphoblastoid silent region 12812; plus strand). Cytogenetic location: 20q11.21.
Variant type: single nucleotide variant.
Coding change: c.20C>T on transcript NM_003098.3 (MANE Select); coding-DNA position 20, C replaced by T.
Protein change: p.Ala7Val; replaces alanine 7 with valine.
Molecular consequence: missense variant.
Genome position (GRCh38, 1-based): chr20:33,443,601, G>A on the plus strand (C>T on the coding strand, the complement: SNTA1 is on the minus strand). VCF-style: chr20-33443601-G-A. GRCh37 (hg19) VCF-style: chr20-32031407-G-A.
Other names: short protein forms A7V.
Identifiers: ClinVar variation 2163264 (VCV002163264.4), dbSNP rs1990636962, ClinGen allele CA408634818.

ClinVar aggregate classification (germline): Uncertain significance (1 of 4 stars; one submission).

Conditions:
Long QT syndrome (LQTS). Identifiers: MedGen C0023976, MeSH D008133, MONDO:0002442. Disease mechanism: loss of function. Inheritance: Various modes of inheritance.

Allele frequency attached by ClinVar (database versions not stated): gnomAD exomes below 0.00001.
gnomAD v4.1: 1 of 1,236,086 alleles (0.000081%); highest among the groups gnomAD compares: Non-Finnish European, 0.0001%; no homozygotes.

Submission:

Labcorp Genetics (formerly Invitae), Labcorp
Classification: Uncertain significance for Long QT syndrome. Last evaluated: 2025-01-28. Review status: criteria provided, single submitter. Criteria: Invitae Variant Classification Sherloc (09022015). Collection method: clinical testing. Allele origin: germline.
Comment: This sequence change replaces alanine, which is neutral and non-polar, with valine, which is neutral and non-polar, at codon 7 of the SNTA1 protein (p.Ala7Val). This variant is not present in population databases (gnomAD no frequency). This variant has not been reported in the literature in individuals affected with SNTA1-related conditions. ClinVar contains an entry for this variant (Variation ID: 2163264). An algorithm developed to predict the effect of missense changes on protein structure and function (PolyPhen-2) suggests that this variant is likely to be tolerated. In summary, the available evidence is currently insufficient to determine the role of this variant in disease. Therefore, it has been classified as a Variant of Uncertain Significance.